The following is an entry in ClinVar:

ClinVar aggregate classification (germline): Uncertain significance (1 of 4 stars; one submission).

Submission:

GeneDx
Classification: Uncertain significance. Last evaluated: 2025-08-11. Review status: criteria provided, single submitter. Criteria: GeneDx Variant Classification Process June 2021. Collection method: clinical testing. Allele origin: germline. Affected: yes.
Comment: Not observed at significant frequency in large population cohorts (gnomAD); In silico analysis suggests that this missense variant does not alter protein structure/function; Has not been previously published as pathogenic or benign to our knowledge

NM_004115.4(FGF14):c.151G>A (p.Val51Met)

Gene: FGF14 (fibroblast growth factor 14; minus strand). Cytogenetic location: 13q33.1.
Variant type: single nucleotide variant.
Coding change: c.151G>A on transcript NM_004115.4 (MANE Select); coding-DNA position 151, G replaced by A.
Protein change: p.Val51Met; replaces valine 51 with methionine.
Molecular consequence: missense variant. On other transcripts: intron variant (21).
Genome position (GRCh38, 1-based): chr13:101,916,495, C>T on the plus strand (G>A on the coding strand, the complement: FGF14 is on the minus strand). VCF-style: chr13-101916495-C-T. GRCh37 (hg19) VCF-style: chr13-102568845-C-T.
Other names: c.53-41199G>A (NM_001321947.2); c.92-41199G>A (NM_001379342.1, NM_001321948.2, NM_001321945.2); c.-59-41199G>A (NM_001321946.2, NM_001321949.1, NM_001321943.1 and 4 more transcripts); c.14-41199G>A (NM_001321938.2, NM_001321940.1, NM_001321933.1); c.209-47667G>A (NM_001321939.2); c.209-41199G>A (NM_175929.3, NM_001321937.2); c.8-41199G>A (NM_001321941.2); c.5-41199G>A (NM_001321944.1, NM_001321936.1, NM_001321932.1); short protein forms V51M.
Identifiers: ClinVar variation 4795626 (VCV004795626.1).